The following is an entry in ClinVar:

NM_001365951.3(KIF1B):c.1728T>G (p.Ile576Met)

Gene: KIF1B (kinesin family member 1B; plus strand). Cytogenetic location: 1p36.22.
Variant type: single nucleotide variant.
Coding change: c.1728T>G on transcript NM_001365951.3 (MANE Select); coding-DNA position 1728, T replaced by G.
Protein change: p.Ile576Met; replaces isoleucine 576 with methionine.
Molecular consequence: missense variant.
Genome position (GRCh38, 1-based): chr1:10,295,717, T>G. VCF-style: chr1-10295717-T-G. GRCh37 (hg19) VCF-style: chr1-10355775-T-G.
Other names: c.1728T>G, p.Ile576Met (NM_001365952.1); c.1590T>G, p.Ile530Met (NM_001365953.1, NM_015074.3, NM_183416.4); short protein forms I576M, I530M.
Identifiers: ClinVar variation 2563610 (VCV002563610.2), dbSNP rs2521390937, ClinGen allele CA338314968.

ClinVar aggregate classification (germline): Uncertain significance (1 of 4 stars; one submission).

Submission:

Ambry Genetics
Classification: Uncertain significance. Last evaluated: 2023-04-14. Review status: criteria provided, single submitter. Criteria: Ambry Variant Classification Scheme 2023. Collection method: clinical testing. Allele origin: germline.
Comment: The p.I530M variant (also known as c.1590T>G), located in coding exon 16 of the KIF1B gene, results from a T to G substitution at nucleotide position 1590. The isoleucine at codon 530 is replaced by methionine, an amino acid with highly similar properties. This amino acid position is conserved. In addition, this alteration is predicted to be deleterious by in silico analysis. Since supporting evidence is limited at this time, the clinical significance of this alteration remains unclear.